The following is an entry in ClinVar:

NM_004656.4(BAP1):c.337A>C (p.Ser113Arg)

Gene: BAP1 (BRCA1 associated deubiquitinase 1; minus strand). Cytogenetic location: 3p21.1.
Variant type: single nucleotide variant.
Coding change: c.337A>C on transcript NM_004656.4 (MANE Select); coding-DNA position 337, A replaced by C.
Protein change: p.Ser113Arg; replaces serine 113 with arginine.
Molecular consequence: missense variant.
Genome position (GRCh38, 1-based): chr3:52,407,996, T>G on the plus strand (A>C on the coding strand, the complement: BAP1 is on the minus strand). VCF-style: chr3-52407996-T-G. GRCh37 (hg19) VCF-style: chr3-52442012-T-G.
Other names: short protein forms S113R.
Identifiers: ClinVar variation 490856 (VCV000490856.12), dbSNP rs1553645933, ClinGen allele CA353112050.

ClinVar aggregate classification (germline): Uncertain significance. Review status: criteria provided, multiple submitters, no conflicts (2 of 4 stars). 3 submissions from 3 submitters: Uncertain significance (3). Last evaluated 2024-11-22.

Conditions:
BAP1-related tumor predisposition syndrome (TPDS1). Also called: Tumor susceptibility linked to germline BAP1 mutations; BAP1 tumor predisposition syndrome; COMMON Syndrome; TUMOR PREDISPOSITION SYNDROME 1. Identifiers: Orphanet 289539, MedGen C3280492, MONDO:0013692, OMIM 614327.
Hereditary cancer-predisposing syndrome. Also called: Hereditary Cancer Syndrome; Neoplastic Syndromes, Hereditary; Tumor predisposition; Hereditary neoplastic syndrome. Identifiers: Orphanet 140162, MedGen C0027672, MeSH D009386, MONDO:0015356.

Submissions (3):

Labcorp Genetics (formerly Invitae), Labcorp
Classification: Uncertain significance for BAP1-related tumor predisposition syndrome. Last evaluated: 2024-11-22. Review status: criteria provided, single submitter. Criteria: Invitae Variant Classification Sherloc (09022015). Collection method: clinical testing. Allele origin: germline.
Comment: This sequence change replaces serine, which is neutral and polar, with arginine, which is basic and polar, at codon 113 of the BAP1 protein (p.Ser113Arg). This variant is not present in population databases (gnomAD no frequency). This variant has not been reported in the literature in individuals affected with BAP1-related conditions. ClinVar contains an entry for this variant (Variation ID: 490856). Invitae Evidence Modeling of protein sequence and biophysical properties (such as structural, functional, and spatial information, amino acid conservation, physicochemical variation, residue mobility, and thermodynamic stability) has been performed for this missense variant. However, the output from this modeling did not meet the statistical confidence thresholds required to predict the impact of this variant on BAP1 protein function. In summary, the available evidence is currently insufficient to determine the role of this variant in disease. Therefore, it has been classified as a Variant of Uncertain Significance.

Color Diagnostics, LLC DBA Color Health
Classification: Uncertain significance for Hereditary cancer-predisposing syndrome. Last evaluated: 2024-03-06. Review status: criteria provided, single submitter. Criteria: ACMG Guidelines, 2015. Collection method: clinical testing. Allele origin: germline.
Comment: This missense variant replaces serine with arginine at codon 113 of the BAP1 protein. Computational prediction suggests that this variant may not impact protein structure and function (internally defined REVEL score threshold <= 0.5, PMID: 27666373). To our knowledge, functional studies have not been reported for this variant. This variant has not been reported in individuals affected with BAP1-related disorders in the literature. This variant has not been identified in the general population by the Genome Aggregation Database (gnomAD). The available evidence is insufficient to determine the role of this variant in disease conclusively. Therefore, this variant is classified as a Variant of Uncertain Significance.

Ambry Genetics
Classification: Uncertain significance for Hereditary cancer-predisposing syndrome. Last evaluated: 2023-08-21. Review status: criteria provided, single submitter. Criteria: Ambry Variant Classification Scheme 2023. Collection method: clinical testing. Allele origin: germline.
Comment: The p.S113R variant (also known as c.337A>C), located in coding exon 5 of the BAP1 gene, results from an A to C substitution at nucleotide position 337. The serine at codon 113 is replaced by arginine, an amino acid with dissimilar properties. This amino acid position is highly conserved in available vertebrate species. In addition, the in silico prediction for this alteration is inconclusive. Since supporting evidence is limited at this time, the clinical significance of this alteration remains unclear.